The following is an entry in ClinVar:

NM_000523.4(HOXD13):c.332C>T (p.Thr111Met)

Gene: HOXD13 (homeobox D13; plus strand). Cytogenetic location: 2q31.1.
Variant type: single nucleotide variant.
Coding change: c.332C>T on transcript NM_000523.4 (MANE Select); coding-DNA position 332, C replaced by T.
Protein change: p.Thr111Met; replaces threonine 111 with methionine.
Molecular consequence: missense variant.
Genome position (GRCh38, 1-based): chr2:176,093,222, C>T. VCF-style: chr2-176093222-C-T. GRCh37 (hg19) VCF-style: chr2-176957950-C-T.
Other names: short protein forms T111M.
Identifiers: ClinVar variation 4768424 (VCV004768424.1).
Genomic context (GRCh38, chr2:176,093,222, plus strand): 5'-CTTCTGCCGTTGTAGCGGCGCGCCCGGAGGCTCCCCCAGCCAAAGAGTGCCCAGCACCCA[C>T]GCCTGCAGCGGCCGCTGCAGCGCCCCCGAGCGCTCCAGCGCTGGGCTACGGCTACCACTT-3'
Protein context (NP_000514.2, residues 101-121): APPAKECPAP[Thr111Met]PAAAAAAPPS

ClinVar aggregate classification (germline): Uncertain significance (1 of 4 stars; one submission).

gnomAD v4.1: 15 of 1,609,682 alleles (0.00093%); highest among the groups gnomAD compares: Admixed American, 0.015%; no homozygotes.

Submission:

Labcorp Genetics (formerly Invitae), Labcorp
Classification: Uncertain significance. Last evaluated: 2025-06-06. Review status: criteria provided, single submitter. Criteria: Invitae Variant Classification Sherloc (09022015). Collection method: clinical testing. Allele origin: germline.
Comment: This sequence change replaces threonine, which is neutral and polar, with methionine, which is neutral and non-polar, at codon 111 of the HOXD13 protein (p.Thr111Met). This variant is present in population databases (rs769412328, gnomAD 0.02%). This variant has not been reported in the literature in individuals affected with HOXD13-related conditions. An algorithm developed to predict the effect of missense changes on protein structure and function (PolyPhen-2) suggests that this variant is likely to be tolerated. In summary, the available evidence is currently insufficient to determine the role of this variant in disease. Therefore, it has been classified as a Variant of Uncertain Significance.